The following is an entry in ClinVar:

NM_001243133.2(NLRP3):c.1966T>A (p.Ser656Thr)

Gene: NLRP3 (NLR family pyrin domain containing 3; plus strand). Cytogenetic location: 1q44.
Variant type: single nucleotide variant.
Coding change: c.1966T>A on transcript NM_001243133.2 (MANE Select); coding-DNA position 1966, T replaced by A.
Protein change: p.Ser656Thr; replaces serine 656 with threonine.
Molecular consequence: missense variant.
Genome position (GRCh38, 1-based): chr1:247,425,415, T>A. VCF-style: chr1-247425415-T-A. GRCh37 (hg19) VCF-style: chr1-247588717-T-A.
Other names: c.1966T>A, p.Ser656Thr (NM_001079821.3, NM_001127461.3, NM_001127462.3 and 1 more transcripts); c.1972T>A, p.Ser658Thr (NM_004895.5); short protein forms S656T, S658T.
Identifiers: ClinVar variation 2913943 (VCV002913943.3), dbSNP rs776947222, ClinGen allele CA1495094.
Genomic context (GRCh38, chr1:247,425,415, plus strand): 5'-CAGGAGGAGGACTTCGTGCAAAGGGCCATGGACTATTTCCCCAAGATTGAGATCAATCTC[T>A]CCACCAGAATGGACCACATGGTTTCTTCCTTTTGCATTGAGAACTGTCATCGGGTGGAGT-3'
Protein context (NP_001230062.1, residues 646-666): DYFPKIEINL[Ser656Thr]TRMDHMVSSF

ClinVar aggregate classification (germline): Uncertain significance (1 of 4 stars; one submission).

Conditions:
Cryopyrin associated periodic syndrome (CAPS). Identifiers: Orphanet 208650, MedGen C2316212, MONDO:0016168.

Allele frequency attached by ClinVar (database versions not stated): ExAC 0.00001.
gnomAD v4.1: 2 of 1,614,188 alleles (0.00012%); highest among the groups gnomAD compares: Non-Finnish European, 0.00017%; no homozygotes.

Submission:

Labcorp Genetics (formerly Invitae), Labcorp
Classification: Uncertain significance for Cryopyrin associated periodic syndrome. Last evaluated: 2024-03-13. Review status: criteria provided, single submitter. Criteria: Invitae Variant Classification Sherloc (09022015). Collection method: clinical testing. Allele origin: germline.
Comment: This sequence change replaces serine, which is neutral and polar, with threonine, which is neutral and polar, at codon 658 of the NLRP3 protein (p.Ser658Thr). This variant is present in population databases (rs776947222, gnomAD 0.0009%). This variant has not been reported in the literature in individuals affected with NLRP3-related conditions. Advanced modeling of protein sequence and biophysical properties (such as structural, functional, and spatial information, amino acid conservation, physicochemical variation, residue mobility, and thermodynamic stability) has been performed at Invitae for this missense variant, however the output from this modeling did not meet the statistical confidence thresholds required to predict the impact of this variant on NLRP3 protein function. In summary, the available evidence is currently insufficient to determine the role of this variant in disease. Therefore, it has been classified as a Variant of Uncertain Significance.